The following is an entry in ClinVar:

NM_002900.3(RBP3):c.2206A>G (p.Thr736Ala)

Gene: RBP3 (retinol binding protein 3; plus strand). Cytogenetic location: 10q11.22.
Variant type: single nucleotide variant.
Coding change: c.2206A>G on transcript NM_002900.3 (MANE Select); coding-DNA position 2206, A replaced by G.
Protein change: p.Thr736Ala; replaces threonine 736 with alanine.
Molecular consequence: missense variant.
Genome position (GRCh38, 1-based): chr10:47,350,690, A>G. VCF-style: chr10-47350690-A-G. GRCh37 (hg19) VCF-style: chr10-48388672-T-C.
Other names: short protein forms T736A.
Identifiers: ClinVar variation 1000635 (VCV001000635.8), dbSNP rs1836955665, ClinGen allele CA376672439.

ClinVar aggregate classification (germline): Uncertain significance (1 of 4 stars; one submission).

Submission:

Labcorp Genetics (formerly Invitae), Labcorp
Classification: Uncertain significance. Last evaluated: 2020-03-27. Review status: criteria provided, single submitter. Criteria: Invitae Variant Classification Sherloc (09022015). Collection method: clinical testing. Allele origin: germline.
Comment: In summary, the available evidence is currently insufficient to determine the role of this variant in disease. Therefore, it has been classified as a Variant of Uncertain Significance. This sequence change replaces threonine with alanine at codon 736 of the RBP3 protein (p.Thr736Ala). The threonine residue is moderately conserved and there is a small physicochemical difference between threonine and alanine. This variant is not present in population databases (ExAC no frequency). This variant has not been reported in the literature in individuals with RBP3-related conditions. Algorithms developed to predict the effect of missense changes on protein structure and function (SIFT, PolyPhen-2, Align-GVGD) all suggest that this variant is likely to be tolerated, but these predictions have not been confirmed by published functional studies and their clinical significance is uncertain.